The following is an entry in ClinVar:

ClinVar aggregate classification (germline): Uncertain significance (1 of 4 stars; one submission).

Conditions:
Joubert syndrome 22 (JBTS22). Identifiers: Orphanet 2754, MedGen C3810278, MONDO:0014297, OMIM 615665.

Submission:

Labcorp Genetics (formerly Invitae), Labcorp
Classification: Uncertain significance for Joubert syndrome 22. Last evaluated: 2022-06-27. Review status: criteria provided, single submitter. Criteria: Invitae Variant Classification Sherloc (09022015). Collection method: clinical testing. Allele origin: germline.
Comment: In summary, the available evidence is currently insufficient to determine the role of this variant in disease. Therefore, it has been classified as a Variant of Uncertain Significance. Experimental studies and prediction algorithms are not available or were not evaluated, and the functional significance of this variant is currently unknown. This variant has not been reported in the literature in individuals affected with PDE6D-related conditions. This variant is a gross deletion of the genomic region encompassing exon(s) 5 of the PDE6D gene, which includes the termination codon. This deletion extends beyond the assayed region for this gene and therefore may encompass additional genes. While this deletion is not anticipated to lead to nonsense mediated decay, it is expected to alter mRNA translation or result in a truncated protein product.

NC_000002.11:g.(?_232597662)_(232597763_?)del

Gene: PDE6D (phosphodiesterase 6D; minus strand). Cytogenetic location: 2q37.1.
Variant type: Deletion.
Identifiers: ClinVar variation 1410663 (VCV001410663.5).